The following is an entry in ClinVar:

ClinVar aggregate classification (germline): Uncertain significance (1 of 4 stars; one submission).

Conditions:
Autosomal dominant nonsyndromic hearing loss 1. Also called: KONIGSMARK SYNDROME; DEAFNESS, AUTOSOMAL DOMINANT 1, WITH OR WITHOUT THROMBOCYTOPENIA. Identifiers: Orphanet 90635, MedGen C1852282, MONDO:0007424, OMIM 124900.
Progressive microcephaly-seizures-cortical blindness-developmental delay syndrome. Also called: Seizures, cortical blindness, and microcephaly syndrome. Identifiers: Orphanet 477814, MedGen C5567650, MONDO:0014714, OMIM 616632.

Submission:

Labcorp Genetics (formerly Invitae), Labcorp
Classification: Uncertain significance for Progressive microcephaly-seizures-cortical blindness-developmental delay syndrome; Autosomal dominant nonsyndromic hearing loss 1. Last evaluated: 2023-01-24. Review status: criteria provided, single submitter. Criteria: Invitae Variant Classification Sherloc (09022015). Collection method: clinical testing. Allele origin: germline.
Comment: This variant is not present in population databases (gnomAD no frequency). This sequence change replaces phenylalanine, which is neutral and non-polar, with tyrosine, which is neutral and polar, at codon 867 of the DIAPH1 protein (p.Phe867Tyr). This variant has not been reported in the literature in individuals affected with DIAPH1-related conditions. Algorithms developed to predict the effect of missense changes on protein structure and function (SIFT, PolyPhen-2, Align-GVGD) all suggest that this variant is likely to be tolerated. In summary, the available evidence is currently insufficient to determine the role of this variant in disease. Therefore, it has been classified as a Variant of Uncertain Significance.

NM_005219.5(DIAPH1):c.2600T>A (p.Phe867Tyr)

Gene: DIAPH1 (diaphanous related formin 1; minus strand). Cytogenetic location: 5q31.3.
Variant type: single nucleotide variant.
Coding change: c.2600T>A on transcript NM_005219.5 (MANE Select); coding-DNA position 2600, T replaced by A.
Protein change: p.Phe867Tyr; replaces phenylalanine 867 with tyrosine.
Molecular consequence: missense variant.
Genome position (GRCh38, 1-based): chr5:141,529,679, A>T on the plus strand (T>A on the coding strand, the complement: DIAPH1 is on the minus strand). VCF-style: chr5-141529679-A-T. GRCh37 (hg19) VCF-style: chr5-140909246-A-T.
Other names: c.2573T>A, p.Phe858Tyr (NM_001079812.3); c.2600T>A, p.Phe867Tyr (NM_001314007.2); short protein forms F858Y, F867Y.
Identifiers: ClinVar variation 2930323 (VCV002930323.3), dbSNP rs2513627918, ClinGen allele CA361586594.